The following is an entry in ClinVar:

ClinVar aggregate classification (germline): Conflicting classifications of pathogenicity. Review status: criteria provided, conflicting classifications (1 of 4 stars). 3 submissions from 3 submitters: Uncertain significance (2); Likely benign (1). Last evaluated 2025-07-24.

Conditions:
Neuromuscular disease caused by qualitative or quantitative defects of dysferlin. Also called: Dysferlinopathy; Qualitative or quantitative defects of dysferlin. Identifiers: Orphanet 207073, MedGen C2931687, MONDO:0016145.
Inborn genetic diseases. Identifiers: MedGen C0950123, MeSH D030342.
Autosomal recessive limb-girdle muscular dystrophy. Identifiers: Orphanet 102015, MedGen C2931907, MONDO:0015152.

Allele frequency attached by ClinVar (database versions not stated): gnomAD exomes 0.00001; TOPMed 0.00002; gnomAD 0.00003; ExAC 0.00004.
gnomAD v4.1: 22 of 1,613,306 alleles (0.0014%); highest among the groups gnomAD compares: South Asian, 0.014%; no homozygotes.

Submissions (3):

Myriad Genetics, Inc.
Classification: Uncertain significance for Autosomal recessive limb-girdle muscular dystrophy. Last evaluated: 2025-07-24. Review status: criteria provided, single submitter. Criteria: Myriad Autosomal Dominant, Autosomal Recessive and X-Linked Classification Criteria (2023). Collection method: clinical testing. Allele origin: unknown.
Comment: NM_003494.3(DYSF):c.3800C>T(S1267L) is a missense variant classified as a variant of uncertain significance in the context of dysferlinopathy. S1267L has not been observed in cases with relevant disease. Relevant functional assessments of this variant are not available in the literature. S1267L has been observed in referenced population frequency databases. In summary, there is insufficient evidence to classify NM_003494.3(DYSF):c.3800C>T(S1267L) as pathogenic or benign. Please note: this variant was assessed in the context of healthy population screening.

Ambry Genetics
Classification: Uncertain significance for Inborn genetic diseases. Last evaluated: 2025-03-05. Review status: criteria provided, single submitter. Criteria: Ambry Variant Classification Scheme 2023. Collection method: clinical testing. Allele origin: germline.

Labcorp Genetics (formerly Invitae), Labcorp
Classification: Likely benign for Neuromuscular disease caused by qualitative or quantitative defects of dysferlin. Last evaluated: 2023-12-13. Review status: criteria provided, single submitter. Criteria: Invitae Variant Classification Sherloc (09022015). Collection method: clinical testing. Allele origin: germline.

NM_001130987.2(DYSF):c.3854C>T (p.Ser1285Leu)

Gene: DYSF (dysferlin; plus strand). Cytogenetic location: 2p13.2.
Variant type: single nucleotide variant.
Coding change: c.3854C>T on transcript NM_001130987.2 (MANE Select); coding-DNA position 3854, C replaced by T.
Protein change: p.Ser1285Leu; replaces serine 1285 with leucine.
Molecular consequence: missense variant.
Genome position (GRCh38, 1-based): chr2:71,600,799, C>T. VCF-style: chr2-71600799-C-T. GRCh37 (hg19) VCF-style: chr2-71827929-C-T.
Other names: c.3800C>T (NM_003494.3); c.3803C>T, p.Ser1268Leu (NM_001130455.2, NM_001130983.2); c.3758C>T, p.Ser1253Leu (NM_001130976.2, NM_001130977.2); c.3800C>T, p.Ser1267Leu (NM_001130978.2, NM_003494.4); c.3893C>T, p.Ser1298Leu (NM_001130979.2); c.3851C>T, p.Ser1284Leu (NM_001130980.2, NM_001130981.2); c.3896C>T, p.Ser1299Leu (NM_001130982.2); c.3761C>T, p.Ser1254Leu (NM_001130984.2, NM_001130986.2); and 1 more; short protein forms S1253L, S1267L, S1298L, S1284L, S1299L, S1254L, S1268L, S1285L.
Identifiers: ClinVar variation 2738744 (VCV002738744.5), dbSNP rs759487846, ClinGen allele CA1706728.